The following is an entry in ClinVar:

ClinVar aggregate classification (germline): Uncertain significance (1 of 4 stars; one submission).

Allele frequency attached by ClinVar (database versions not stated): gnomAD exomes 0.00001.
gnomAD v4.1: 8 of 1,611,706 alleles (0.0005%); highest among the groups gnomAD compares: Non-Finnish European, 0.00068%; no homozygotes.

Submission:

Labcorp Genetics (formerly Invitae), Labcorp
Classification: Uncertain significance. Last evaluated: 2022-03-04. Review status: criteria provided, single submitter. Criteria: Invitae Variant Classification Sherloc (09022015). Collection method: clinical testing. Allele origin: germline.
Comment: This sequence change replaces threonine, which is neutral and polar, with proline, which is neutral and non-polar, at codon 842 of the AP3B2 protein (p.Thr842Pro). This variant is not present in population databases (gnomAD no frequency). This variant has not been reported in the literature in individuals affected with AP3B2-related conditions. Algorithms developed to predict the effect of missense changes on protein structure and function are either unavailable or do not agree on the potential impact of this missense change (SIFT: "Tolerated"; PolyPhen-2: "Possibly Damaging"; Align-GVGD: "Class C0"). In summary, the available evidence is currently insufficient to determine the role of this variant in disease. Therefore, it has been classified as a Variant of Uncertain Significance.

NM_001278512.2(AP3B2):c.2581A>C (p.Thr861Pro)

Genes: AP3B2 (adaptor related protein complex 3 subunit beta 2; minus strand), CPEB1-AS1 (CPEB1 antisense RNA 1; plus strand). Cytogenetic location: 15q25.2.
Variant type: single nucleotide variant.
Coding change: c.2581A>C on transcript NM_001278512.2 (MANE Select); coding-DNA position 2581, A replaced by C.
Protein change: p.Thr861Pro; replaces threonine 861 with proline.
Molecular consequence: missense variant.
Genome position (GRCh38, 1-based): chr15:82,663,150, T>G on the plus strand (A>C on the coding strand, the complement: AP3B2 is on the minus strand). VCF-style: chr15-82663150-T-G. GRCh37 (hg19) VCF-style: chr15-83331902-T-G.
Other names: c.2428A>C, p.Thr810Pro (NM_001278511.2); c.2524A>C, p.Thr842Pro (NM_004644.5); short protein forms T842P, T810P, T861P.
Identifiers: ClinVar variation 2158202 (VCV002158202.1), dbSNP rs762428082, ClinGen allele CA7699855.
Genomic context (GRCh38, chr15:82,663,150, plus strand): 5'-CCTGCCCCAGCCCGGTCCCCTCCTCCATCCCACTCACCGACGGTACCAGGGTGGAGTCTG[T>G]GAGTGTCAGGCCCTCCAGGTCAGCAGCCAGACTGGTAGACACAATTGCTGGGGGAGACAC-3'
Protein context (NP_001265441.1, residues 851-871): LAADLEGLTL[Thr861Pro]DSTLVPSLLS